The following is an entry in ClinVar:

ClinVar aggregate classification (germline): Uncertain significance (1 of 4 stars; one submission).

Submission:

Labcorp Genetics (formerly Invitae), Labcorp
Classification: Uncertain significance. Last evaluated: 2022-05-03. Review status: criteria provided, single submitter. Criteria: Invitae Variant Classification Sherloc (09022015). Collection method: clinical testing. Allele origin: germline.
Comment: This variant is not present in population databases (gnomAD no frequency). This sequence change replaces methionine, which is neutral and non-polar, with valine, which is neutral and non-polar, at codon 2099 of the RP1 protein (p.Met2099Val). In summary, the available evidence is currently insufficient to determine the role of this variant in disease. Therefore, it has been classified as a Variant of Uncertain Significance. Algorithms developed to predict the effect of missense changes on protein structure and function output the following: SIFT: "Tolerated"; PolyPhen-2: "Benign"; Align-GVGD: "Class C0". The valine amino acid residue is found in multiple mammalian species, which suggests that this missense change does not adversely affect protein function. This variant has not been reported in the literature in individuals affected with RP1-related conditions.

NM_006269.2(RP1):c.6295A>G (p.Met2099Val)

Gene: RP1 (RP1 axonemal microtubule associated; plus strand). Cytogenetic location: 8q12.1.
Variant type: single nucleotide variant.
Coding change: c.6295A>G on transcript NM_006269.2 (MANE Select); coding-DNA position 6295, A replaced by G.
Protein change: p.Met2099Val; replaces methionine 2099 with valine.
Molecular consequence: missense variant. On other transcripts: intron variant (1).
Genome position (GRCh38, 1-based): chr8:54,630,177, A>G. VCF-style: chr8-54630177-A-G. GRCh37 (hg19) VCF-style: chr8-55542737-A-G.
Other names: c.787+7889A>G (NM_001375654.1); short protein forms M2099V.
Identifiers: ClinVar variation 2132670 (VCV002132670.4), dbSNP rs2536593817, ClinGen allele CA370991689.
Genomic context (GRCh38, chr8:54,630,177, plus strand): 5'-TCAAGAACAAATCTCAACCAAGTAGTAAGAGAAAATATCAACTGTCATTACTTCTTTGAA[A>G]TGCTTGGTCAAGCTTGCCTCTTAGATATTTGCCAAGTTGAGACCTCCTTAAATATTAGCA-3'
Protein context (NP_006260.1, residues 2089-2109): ENINCHYFFE[Met2099Val]LGQACLLDIC